The following is an entry in ClinVar:

ClinVar aggregate classification (germline): Benign/Likely benign. Review status: criteria provided, multiple submitters, no conflicts (2 of 4 stars). 2 submissions from 2 submitters: Benign (1); Likely benign (1). Last evaluated 2025-09-01.

Allele frequency attached by ClinVar (database versions not stated): 1000 Genomes Project 0.00040; 1000 Genomes Project 30x 0.00062; gnomAD exomes 0.00119; ExAC 0.00120; gnomAD 0.00141 and 0.00148; TOPMed 0.00155; ESP Exome Variant Server 0.00177.

Submissions (2):

CeGaT Center for Human Genetics Tuebingen
Classification: Likely benign. Last evaluated: 2025-09-01. Review status: criteria provided, single submitter. Criteria: CeGaT Center For Human Genetics Tuebingen Variant Classification Criteria Version 2. Collection method: clinical testing. Allele origin: germline. Affected: yes. Observed: 1 variant allele.
Comment: CHD6: BP4, BP7

Labcorp Genetics (formerly Invitae), Labcorp
Classification: Benign. Last evaluated: 2018-09-12. Review status: criteria provided, single submitter. Criteria: Invitae Variant Classification Sherloc (09022015). Collection method: clinical testing. Allele origin: germline.

NM_032221.5(CHD6):c.3627C>T (p.Pro1209=)

Gene: CHD6 (chromodomain helicase DNA binding protein 6; minus strand). Cytogenetic location: 20q12.
Variant type: single nucleotide variant.
Coding change: c.3627C>T on transcript NM_032221.5 (MANE Select); coding-DNA position 3627, C replaced by T.
Protein change: p.Pro1209=; no amino-acid change (proline 1209 retained).
Molecular consequence: synonymous variant.
Genome position (GRCh38, 1-based): chr20:41,451,002, G>A on the plus strand (C>T on the coding strand, the complement: CHD6 is on the minus strand). VCF-style: chr20-41451002-G-A. GRCh37 (hg19) VCF-style: chr20-40079642-G-A.
Identifiers: ClinVar variation 724654 (VCV000724654.10), dbSNP rs41278124, ClinGen allele CA9862684.